The following is an entry in ClinVar:

ClinVar aggregate classification (germline): Pathogenic (1 of 4 stars; one submission).

Submission:

Labcorp Genetics (formerly Invitae), Labcorp
Classification: Pathogenic. Last evaluated: 2023-08-29. Review status: criteria provided, single submitter. Criteria: Invitae Variant Classification Sherloc (09022015). Collection method: clinical testing. Allele origin: germline.
Comment: This sequence change creates a premature translational stop signal (p.Pro437Argfs*3) in the AAAS gene. It is expected to result in an absent or disrupted protein product. Loss-of-function variants in AAAS are known to be pathogenic (PMID: 11159947). This variant is not present in population databases (gnomAD no frequency). This premature translational stop signal has been observed in individual(s) with adrenal insufficiency, achalasia and alacrimia (Triple A syndrome) (PMID: 26519721). For these reasons, this variant has been classified as Pathogenic.

Literature cited by the submitters: PubMed 11159947; PubMed 26519721.

NM_015665.6(AAAS):c.1310_1311del (p.Pro437fs)

Gene: AAAS (aladin WD repeat nucleoporin; minus strand). Cytogenetic location: 12q13.13.
Variant type: Deletion.
Coding change: c.1310_1311del on transcript NM_015665.6 (MANE Select); coding-DNA positions 1310 to 1311, 2 bases deleted (CT; older notation c.1310_1311delCT).
Protein change: p.Pro437fs; shifts the reading frame from proline 437.
Molecular consequence: frameshift variant.
Genome position (GRCh38, 1-based): chr12:53,308,072-53,308,073, AG deleted on the plus strand (CT on the coding strand, the reverse complement: AAAS is on the minus strand). VCF-style (leftmost placement, unchanged base first): chr12-53308071-CAG-C. GRCh37 (hg19) VCF-style: chr12-53701855-CAG-C.
Other names: c.1211_1212del, p.Pro404fs (NM_001173466.2); short protein forms P404fs, P437fs.
Identifiers: ClinVar variation 2735883 (VCV002735883.3), dbSNP rs2121081890, ClinGen allele CA2573053715.